The following is an entry in ClinVar:

NM_004655.4(AXIN2):c.1734G>A (p.Leu578=)

Gene: AXIN2 (axin 2; minus strand). Cytogenetic location: 17q24.1.
Variant type: single nucleotide variant.
Coding change: c.1734G>A on transcript NM_004655.4 (MANE Select); coding-DNA position 1734, G replaced by A.
Protein change: p.Leu578=; no amino-acid change (leucine 578 retained).
Molecular consequence: synonymous variant. On other transcripts: intron variant (1).
Genome position (GRCh38, 1-based): chr17:65,537,042, C>T on the plus strand (G>A on the coding strand, the complement: AXIN2 is on the minus strand). VCF-style: chr17-65537042-C-T. GRCh37 (hg19) VCF-style: chr17-63533160-C-T.
Other names: c.1712+282G>A (NM_001363813.1).
Identifiers: ClinVar variation 1114448 (VCV001114448.12), dbSNP rs775673863, ClinGen allele CA501691199.

ClinVar aggregate classification (germline): Benign/Likely benign. Review status: criteria provided, multiple submitters, no conflicts (2 of 4 stars). 3 submissions from 3 submitters: Benign (1); Likely benign (2). Last evaluated 2024-07-08.

Conditions:
Hereditary cancer-predisposing syndrome. Also called: Hereditary neoplastic syndrome; Hereditary Cancer Syndrome; Neoplastic Syndromes, Hereditary; Tumor predisposition. Identifiers: Orphanet 140162, MedGen C0027672, MeSH D009386, MONDO:0015356.
Oligodontia-cancer predisposition syndrome. Also called: TOOTH AGENESIS-COLORECTAL CANCER SYNDROME. Identifiers: Orphanet 300576, MedGen C1837750, MONDO:0012075, OMIM 608615. Disease mechanism: loss of function.

Submissions (3):

Myriad Genetics, Inc.
Classification: Benign for Oligodontia-cancer predisposition syndrome. Last evaluated: 2024-07-08. Review status: criteria provided, single submitter. Criteria: Myriad Autosomal Dominant, Autosomal Recessive and X-Linked Classification Criteria (2023). Collection method: clinical testing. Allele origin: unknown.
Comment: This variant is considered benign. This variant is a silent/synonymous amino acid change and it is not expected to impact splicing.

Ambry Genetics
Classification: Likely benign for Hereditary cancer-predisposing syndrome. Last evaluated: 2022-10-17. Review status: criteria provided, single submitter. Criteria: Ambry Variant Classification Scheme 2023. Collection method: clinical testing. Allele origin: germline.

Labcorp Genetics (formerly Invitae), Labcorp
Classification: Likely benign for Oligodontia-cancer predisposition syndrome. Last evaluated: 2022-01-19. Review status: criteria provided, single submitter. Criteria: Invitae Variant Classification Sherloc (09022015). Collection method: clinical testing. Allele origin: germline.